The following is an entry in ClinVar:

NM_002693.3(POLG):c.659G>C (p.Trp220Ser)

Genes: POLG (DNA polymerase gamma, catalytic subunit; minus strand), POLGARF (POLG alternative reading frame; minus strand). Cytogenetic location: 15q26.1.
Variant type: single nucleotide variant.
Coding change: c.659G>C on transcript NM_002693.3 (MANE Select); coding-DNA position 659, G replaced by C.
Protein change: p.Trp220Ser; replaces tryptophan 220 with serine.
Molecular consequence: missense variant.
Genome position (GRCh38, 1-based): chr15:89,333,096, C>G on the plus strand (G>C on the coding strand, the complement: POLG is on the minus strand). VCF-style: chr15-89333096-C-G. GRCh37 (hg19) VCF-style: chr15-89876327-C-G.
Other names: c.659G>C, p.Trp220Ser (NM_001126131.2); short protein forms W220S.
Identifiers: ClinVar variation 405580 (VCV000405580.12), dbSNP rs1004988362, ClinGen allele CA16614768.

ClinVar aggregate classification (germline): Uncertain significance (1 of 4 stars; one submission).

Conditions:
Progressive sclerosing poliodystrophy (MTDPS4A). Also called: Mitochondrial DNA depletion syndrome 4A (Alpers type); Alpers Syndrome; ALPERS DIFFUSE DEGENERATION OF CEREBRAL GRAY MATTER WITH HEPATIC CIRRHOSIS; Mitochondrial DNA Depletion Syndrome 4A; Alpers-Huttenlocher Syndrome (AHS); ALPERS PROGRESSIVE INFANTILE POLIODYSTROPHY. Identifiers: Orphanet 726, MedGen C0205710, MONDO:0008758, OMIM 203700.

Allele frequency attached by ClinVar (database versions not stated): gnomAD 0.00001; TOPMed 0.00001.
gnomAD v4.1: 1 of 1,511,802 alleles (0.000066%); highest among the groups gnomAD compares: Admixed American, 0.0023%; no homozygotes.

Submission:

Labcorp Genetics (formerly Invitae), Labcorp
Classification: Uncertain significance for Progressive sclerosing poliodystrophy. Last evaluated: 2023-06-03. Review status: criteria provided, single submitter. Criteria: Invitae Variant Classification Sherloc (09022015). Collection method: clinical testing. Allele origin: germline.
Comment: This variant has not been reported in the literature in individuals affected with POLG-related conditions. In summary, the available evidence is currently insufficient to determine the role of this variant in disease. Therefore, it has been classified as a Variant of Uncertain Significance. Variants that disrupt the consensus splice site are a relatively common cause of aberrant splicing (PMID: 17576681, 9536098). An algorithm developed to predict the effect of missense changes on protein structure and function (PolyPhen-2) suggests that this variant is likely to be disruptive. ClinVar contains an entry for this variant (Variation ID: 405580). This variant is not present in population databases (gnomAD no frequency). This sequence change replaces tryptophan, which is neutral and slightly polar, with serine, which is neutral and polar, at codon 220 of the POLG protein (p.Trp220Ser). This variant also falls at the last nucleotide of exon 2, which is part of the consensus splice site for this exon.

Literature cited by the submitters: PubMed 17576681; PubMed 9536098.